The following is an entry in ClinVar:

NM_001122769.3(LCA5):c.1105C>A (p.Gln369Lys)

Gene: LCA5 (lebercilin LCA5; minus strand). Cytogenetic location: 6q14.1.
Variant type: single nucleotide variant.
Coding change: c.1105C>A on transcript NM_001122769.3 (MANE Select); coding-DNA position 1105, C replaced by A.
Protein change: p.Gln369Lys; replaces glutamine 369 with lysine.
Molecular consequence: missense variant.
Genome position (GRCh38, 1-based): chr6:79,489,210, G>T on the plus strand (C>A on the coding strand, the complement: LCA5 is on the minus strand). VCF-style: chr6-79489210-G-T. GRCh37 (hg19) VCF-style: chr6-80198927-G-T.
Other names: c.1105C>A, p.Gln369Lys (NM_181714.4); short protein forms Q369K.
Identifiers: ClinVar variation 2182950 (VCV002182950.1), dbSNP rs1769766623, ClinGen allele CA364642788.

ClinVar aggregate classification (germline): Uncertain significance (1 of 4 stars; one submission).

Allele frequency attached by ClinVar (database versions not stated): gnomAD 0.00001; TOPMed 0.00001.
gnomAD v4.1: 3 of 1,610,936 alleles (0.00019%); highest among the groups gnomAD compares: Admixed American, 0.0017%; no homozygotes.

Submission:

Labcorp Genetics (formerly Invitae), Labcorp
Classification: Uncertain significance. Last evaluated: 2022-02-06. Review status: criteria provided, single submitter. Criteria: Invitae Variant Classification Sherloc (09022015). Collection method: clinical testing. Allele origin: germline.
Comment: This sequence change replaces glutamine, which is neutral and polar, with lysine, which is basic and polar, at codon 369 of the LCA5 protein (p.Gln369Lys). This variant is not present in population databases (gnomAD no frequency). This variant has not been reported in the literature in individuals affected with LCA5-related conditions. Algorithms developed to predict the effect of missense changes on protein structure and function output the following: SIFT: "Tolerated"; PolyPhen-2: "Benign"; Align-GVGD: "Class C0". The lysine amino acid residue is found in multiple mammalian species, which suggests that this missense change does not adversely affect protein function. In summary, the available evidence is currently insufficient to determine the role of this variant in disease. Therefore, it has been classified as a Variant of Uncertain Significance.